The following is an entry in ClinVar:

NM_001042545.2(LTBP4):c.4360T>A (p.Tyr1454Asn)

Gene: LTBP4 (latent transforming growth factor beta binding protein 4; plus strand). Cytogenetic location: 19q13.2.
Variant type: single nucleotide variant.
Coding change: c.4360T>A on transcript NM_001042545.2 (MANE Select); coding-DNA position 4360, T replaced by A.
Protein change: p.Tyr1454Asn; replaces tyrosine 1454 with asparagine.
Molecular consequence: missense variant.
Genome position (GRCh38, 1-based): chr19:40,627,349, T>A. VCF-style: chr19-40627349-T-A. GRCh37 (hg19) VCF-style: chr19-41133254-T-A.
Other names: c.4561T>A, p.Tyr1521Asn (NM_001042544.1); c.4450T>A, p.Tyr1484Asn (NM_003573.2); short protein forms Y1484N, Y1454N, Y1521N.
Identifiers: ClinVar variation 2115396 (VCV002115396.4), dbSNP rs767276621, ClinGen allele CA405911808.
Genomic context (GRCh38, chr19:40,627,349, plus strand): 5'-CGGTCCCGGGACACCCGCCGCTCCTTCCCAGAGCCCGAGGAGCCTCCTGAAGGTGGAAGC[T>A]ATGCTGGTGAGCACTGCCAGCGCATGATGAGACTGAGATGAGGGGTGAGGTGTGCACGGA-3'
Protein context (NP_001036010.1, residues 1444-1464): EPEEPPEGGS[Tyr1454Asn]AGSLAEPYEE

ClinVar aggregate classification (germline): Uncertain significance (1 of 4 stars; one submission).

Allele frequency attached by ClinVar (database versions not stated): gnomAD exomes below 0.00001; gnomAD 0.00001.
gnomAD v4.1: 2 of 1,503,654 alleles (0.00013%); highest among the groups gnomAD compares: Non-Finnish European, 0.00018%; no homozygotes.

Submission:

Labcorp Genetics (formerly Invitae), Labcorp
Classification: Uncertain significance. Last evaluated: 2022-03-20. Review status: criteria provided, single submitter. Criteria: Invitae Variant Classification Sherloc (09022015). Collection method: clinical testing. Allele origin: germline.
Comment: This variant has not been reported in the literature in individuals affected with LTBP4-related conditions. Experimental studies and prediction algorithms are not available or were not evaluated, and the functional significance of this variant is currently unknown. In summary, the available evidence is currently insufficient to determine the role of this variant in disease. Therefore, it has been classified as a Variant of Uncertain Significance. This variant is not present in population databases (gnomAD no frequency). This sequence change replaces tyrosine, which is neutral and polar, with asparagine, which is neutral and polar, at codon 1484 of the LTBP4 protein (p.Tyr1484Asn).